The following is an entry in ClinVar:

ClinVar aggregate classification (germline): Conflicting classifications of pathogenicity. Review status: criteria provided, conflicting classifications (1 of 4 stars). 5 submissions from 5 submitters: Uncertain significance (2); Likely benign (2). 1 of the submissions does not count toward it. Last evaluated 2025-07-14.

Conditions:
Hereditary cancer-predisposing syndrome. Also called: Hereditary neoplastic syndrome; Neoplastic Syndromes, Hereditary; Hereditary Cancer Syndrome; Tumor predisposition. Identifiers: Orphanet 140162, MedGen C0027672, MeSH D009386, MONDO:0015356.
Familial cancer of breast. Also called: BREAST CANCER, FAMILIAL; Hereditary breast cancer; hereditary breast carcinoma. Identifiers: Orphanet 227535, MedGen C0346153, MONDO:0016419, OMIM 114480. Disease mechanism: loss of function.

Allele frequency attached by ClinVar (database versions not stated): gnomAD 0.00001.
gnomAD v4.1: 4 of 1,613,712 alleles (0.00025%); highest among the groups gnomAD compares: African/African-American, 0.0013%; no homozygotes.

Submissions (5):

Color Diagnostics, LLC DBA Color Health
Classification: Likely benign for Hereditary cancer-predisposing syndrome. Last evaluated: 2025-07-14. Review status: criteria provided, single submitter. Criteria: ACMG Guidelines, 2015. Collection method: clinical testing. Allele origin: germline.

Labcorp Genetics (formerly Invitae), Labcorp
Classification: Uncertain significance for Familial cancer of breast. Last evaluated: 2024-08-21. Review status: criteria provided, single submitter. Criteria: Invitae Variant Classification Sherloc (09022015). Collection method: clinical testing. Allele origin: germline.
Comment: This sequence change replaces isoleucine, which is neutral and non-polar, with phenylalanine, which is neutral and non-polar, at codon 434 of the BARD1 protein (p.Ile434Phe). This variant is present in population databases (rs758049210, gnomAD 0.007%). This missense change has been observed in individual(s) with breast cancer (PMID: 31036035). ClinVar contains an entry for this variant (Variation ID: 530143). An algorithm developed to predict the effect of missense changes on protein structure and function (PolyPhen-2) suggests that this variant is likely to be tolerated. Experimental studies have shown that this missense change does not substantially affect BARD1 function (PMID: 30925164). In summary, the available evidence is currently insufficient to determine the role of this variant in disease. Therefore, it has been classified as a Variant of Uncertain Significance.

Myriad Genetics, Inc.
Classification: Uncertain significance for Familial cancer of breast. Last evaluated: 2023-02-23. Review status: criteria provided, single submitter. Criteria: Myriad Autosomal Dominant, Autosomal Recessive and X-Linked Classification Criteria (2023). Collection method: clinical testing. Allele origin: unknown.
Comment: This variant is classified as a variant of uncertain significance as there is insufficient evidence to determine its impact on protein function and/or cancer risk.

Ambry Genetics
Classification: Likely benign for Hereditary cancer-predisposing syndrome. Last evaluated: 2021-03-04. Review status: criteria provided, single submitter. Criteria: Ambry Variant Classification Scheme 2023. Collection method: clinical testing. Allele origin: germline.

Counsyl
Classification: Uncertain significance for Familial cancer of breast. Last evaluated: 2016-12-29. Review status: no assertion criteria provided. Collection method: clinical testing. Allele origin: unknown. Not counted in ClinVar's aggregate classification.

Literature cited by the submitters: PubMed 31036035 (cited by Labcorp Genetics (formerly Invitae), Labcorp and Ambry Genetics); PubMed 30925164 (cited by Labcorp Genetics (formerly Invitae), Labcorp and Ambry Genetics).

NM_000465.4(BARD1):c.1300A>T (p.Ile434Phe)

Gene: BARD1 (BRCA1 associated RING domain 1; minus strand). Cytogenetic location: 2q35.
Variant type: single nucleotide variant.
Coding change: c.1300A>T on transcript NM_000465.4 (MANE Select); coding-DNA position 1300, A replaced by T.
Protein change: p.Ile434Phe; replaces isoleucine 434 with phenylalanine.
Molecular consequence: missense variant. On other transcripts: non-coding transcript variant (2), intron variant (3).
Genome position (GRCh38, 1-based): chr2:214,780,574, T>A on the plus strand (A>T on the coding strand, the complement: BARD1 is on the minus strand). VCF-style: chr2-214780574-T-A. GRCh37 (hg19) VCF-style: chr2-215645298-T-A.
Other names: c.1243A>T, p.Ile415Phe (NM_001282543.2); c.159-28019A>T (NM_001282548.2); c.215+16487A>T (NM_001282545.2); c.364+11723A>T (NM_001282549.2); short protein forms I434F, I415F.
Identifiers: ClinVar variation 530143 (VCV000530143.17), dbSNP rs758049210, ClinGen allele CA2090311.